The following is an entry in ClinVar:

ClinVar aggregate classification (germline): Uncertain significance. Review status: criteria provided, multiple submitters, no conflicts (2 of 4 stars). 2 submissions from 2 submitters: Uncertain significance (2). Last evaluated 2025-07-18.

Conditions:
Deficiency of malonyl-CoA decarboxylase. Also called: Malonic aciduria; MCD deficiency. Identifiers: Orphanet 943, MedGen C0342793, MONDO:0009556, OMIM 248360.

Allele frequency attached by ClinVar (database versions not stated): gnomAD exomes 0.00012 and 0.00004; gnomAD 0.00006 and 0.00007; ExAC 0.00004; ESP Exome Variant Server 0.00008; TOPMed 0.00008.
gnomAD v4.1: 177 of 1,614,132 alleles (0.011%); highest among the groups gnomAD compares: Non-Finnish European, 0.014%; no homozygotes.

Submissions (2):

ARUP Laboratories, Molecular Genetics and Genomics, ARUP Laboratories
Classification: Uncertain significance for Deficiency of malonyl-CoA decarboxylase. Last evaluated: 2025-07-18. Review status: criteria provided, single submitter. Criteria: ARUP Molecular Germline Variant Investigation Process 2024. Collection method: clinical testing. Allele origin: germline.
Comment: The MLYCD c.1097T>A; p.Ile366Asn variant (rs376504760), to our knowledge, is not reported in the medical literature but is reported in ClinVar (Variation ID: 655558). This variant is found in the general population with an overall allele frequency of 0.004% (10/249588 alleles) in the Genome Aggregation Database (v2.1.1). Computational analyses are uncertain whether this variant is neutral or deleterious (REVEL: 0.299). Due to limited information, the clinical significance of this variant is uncertain at this time.

Labcorp Genetics (formerly Invitae), Labcorp
Classification: Uncertain significance for Deficiency of malonyl-CoA decarboxylase. Last evaluated: 2022-06-09. Review status: criteria provided, single submitter. Criteria: Invitae Variant Classification Sherloc (09022015). Collection method: clinical testing. Allele origin: germline.
Comment: This sequence change replaces isoleucine, which is neutral and non-polar, with asparagine, which is neutral and polar, at codon 366 of the MLYCD protein (p.Ile366Asn). This variant is present in population databases (rs376504760, gnomAD 0.006%). This variant has not been reported in the literature in individuals affected with MLYCD-related conditions. ClinVar contains an entry for this variant (Variation ID: 655558). Advanced modeling of protein sequence and biophysical properties (such as structural, functional, and spatial information, amino acid conservation, physicochemical variation, residue mobility, and thermodynamic stability) performed at Invitae indicates that this missense variant is expected to disrupt MLYCD protein function. In summary, the available evidence is currently insufficient to determine the role of this variant in disease. Therefore, it has been classified as a Variant of Uncertain Significance.

NM_012213.3(MLYCD):c.1097T>A (p.Ile366Asn)

Gene: MLYCD (malonyl-CoA decarboxylase; plus strand). Cytogenetic location: 16q23.3.
Variant type: single nucleotide variant.
Coding change: c.1097T>A on transcript NM_012213.3 (MANE Select); coding-DNA position 1097, T replaced by A.
Protein change: p.Ile366Asn; replaces isoleucine 366 with asparagine.
Molecular consequence: missense variant.
Genome position (GRCh38, 1-based): chr16:83,915,104, T>A. VCF-style: chr16-83915104-T-A. GRCh37 (hg19) VCF-style: chr16-83948709-T-A.
Other names: short protein forms I366N.
Identifiers: ClinVar variation 655558 (VCV000655558.9), dbSNP rs376504760, ClinGen allele CA8197508.